The following is an entry in ClinVar:

ClinVar aggregate classification (germline): Uncertain significance (1 of 4 stars; one submission).

Conditions:
Pierpont syndrome (PRPTS). Identifiers: Orphanet 487825, MedGen C1865644, MONDO:0011213, OMIM 602342.

Submission:

Labcorp Genetics (formerly Invitae), Labcorp
Classification: Uncertain significance for Pierpont syndrome. Last evaluated: 2025-08-23. Review status: criteria provided, single submitter. Criteria: Invitae Variant Classification Sherloc (09022015). Collection method: clinical testing. Allele origin: germline.
Comment: This sequence change replaces threonine, which is neutral and polar, with isoleucine, which is neutral and non-polar, at codon 327 of the TBL1XR1 protein (p.Thr327Ile). This variant is not present in population databases (gnomAD no frequency). This variant has not been reported in the literature in individuals affected with TBL1XR1-related conditions. Invitae Evidence Modeling of protein sequence and biophysical properties (such as structural, functional, and spatial information, amino acid conservation, physicochemical variation, residue mobility, and thermodynamic stability) indicates that this missense variant is expected to disrupt TBL1XR1 protein function with a positive predictive value of 95%. In summary, the available evidence is currently insufficient to determine the role of this variant in disease. Therefore, it has been classified as a Variant of Uncertain Significance.

NM_024665.7(TBL1XR1):c.980C>T (p.Thr327Ile)

Genes: TBL1XR1 (TBL1X/Y related 1; minus strand), TBL1XR1-AS1 (TBL1XR1 antisense RNA 1; plus strand), LOC126806878 (CDK7 strongly-dependent group 2 enhancer GRCh37_chr3:176755168-176756367; plus strand). Cytogenetic location: 3q26.32.
Variant type: single nucleotide variant.
Coding change: c.980C>T on transcript NM_024665.7 (MANE Select); coding-DNA position 980, C replaced by T.
Protein change: p.Thr327Ile; replaces threonine 327 with isoleucine.
Molecular consequence: missense variant. On other transcripts: non-coding transcript variant (1).
Genome position (GRCh38, 1-based): chr3:177,038,380, G>A on the plus strand (C>T on the coding strand, the complement: TBL1XR1 is on the minus strand). VCF-style: chr3-177038380-G-A. GRCh37 (hg19) VCF-style: chr3-176756168-G-A.
Other names: c.980C>T, p.Thr327Ile (NM_001321193.3, NM_001321194.3, NM_001374327.1 and 2 more transcripts); c.719C>T, p.Thr240Ile (NM_001321195.3, NM_001374330.1); short protein forms T240I, T327I.
Identifiers: ClinVar variation 4801765 (VCV004801765.1).
Genomic context (GRCh38, chr3:177,038,380, plus strand): 5'-CCTTGGAATGTTTTAATAGGTCTGTCTTGTCCTAATTTACAGACATGAATGCACATATCT[G>A]TACTACAAGAAGCAAAGGTGTTGTTGCTCTGCCAATCAACATCCAATGCTGGTGCTGCAA-3'
Protein context (NP_078941.2, residues 317-337): QSNNTFASCS[Thr327Ile]DMCIHVCKLG